The following is an entry in ClinVar:

NM_015425.6(POLR1A):c.4004C>G (p.Pro1335Arg)

Gene: POLR1A (RNA polymerase I subunit A; minus strand). Cytogenetic location: 2p11.2.
Variant type: single nucleotide variant.
Coding change: c.4004C>G on transcript NM_015425.6 (MANE Select); coding-DNA position 4004, C replaced by G.
Protein change: p.Pro1335Arg; replaces proline 1335 with arginine.
Molecular consequence: missense variant.
Genome position (GRCh38, 1-based): chr2:86,038,730, G>C on the plus strand (C>G on the coding strand, the complement: POLR1A is on the minus strand). VCF-style: chr2-86038730-G-C. GRCh37 (hg19) VCF-style: chr2-86265853-G-C.
Other names: short protein forms P1335R.
Identifiers: ClinVar variation 4885343 (VCV004885343.2).
Genomic context (GRCh38, chr2:86,038,730, plus strand): 5'-GTCAATGACAATCACAGCCTGAGCCCTGACCTTGTTTCCATGAAGCGCAGGATGTCCTCG[G>C]GTCTCAGGCACTTCTCCTGCTGGTAATATGCATGTGGCAGGAACTGAAACCGCAGCTGGT-3'
Protein context (NP_056240.2, residues 1325-1345): AYYQQEKCLR[Pro1335Arg]EDILRFMETR

ClinVar aggregate classification (germline): Uncertain significance (1 of 4 stars; one submission).

gnomAD v4.1: 1 of 1,613,910 alleles (0.000062%); highest among the groups gnomAD compares: Non-Finnish European, 0.000085%; no homozygotes.

Submission:

Dasa
Classification: Uncertain significance. Last evaluated: 2025-10-11. Review status: criteria provided, single submitter. Criteria: DASA Assertion Criteria. Collection method: clinical testing. Allele origin: germline.
Comment: NM_015425.6(POLR1A):c.4004C>G (p.Pro1335Arg) is a missense variant that results in the substitution of proline with arginine. This variant is rare in population databases. The currently available literature and clinical evidence are not sufficient to establish a definitive association between this variant and the reported condition. Therefore, this variant is classified as a variant of uncertain significance.